The following is an entry in ClinVar:

NM_001077350.3(NPRL3):c.318+8T>G

Genes: HBA-LCR (alpha-globin locus control region; plus strand), NPRL3 (NPR3 like, GATOR1 complex subunit; minus strand). Cytogenetic location: 16p13.3.
Variant type: single nucleotide variant.
Coding change: c.318+8T>G on transcript NM_001077350.3 (MANE Select); 8 bases into the intron after coding-DNA position 318, T replaced by G.
Molecular consequence: intron variant.
Genome position (GRCh38, 1-based): chr16:119,118, A>C on the plus strand (T>G on the coding strand, the complement: NPRL3 is on the minus strand). VCF-style: chr16-119118-A-C. GRCh37 (hg19) VCF-style: chr16-169117-A-C.
Other names: c.84+8T>G (NM_001243247.2); c.318+8T>G (NM_001243248.2, NM_001243249.2); c.-144-6343T>G (NM_001039476.3).
Identifiers: ClinVar variation 772507 (VCV000772507.42), dbSNP rs370788298, ClinGen allele CA7769713.

ClinVar aggregate classification (germline): Benign/Likely benign. Review status: criteria provided, multiple submitters, no conflicts (2 of 4 stars). 4 submissions from 4 submitters: Benign (3); Likely benign (1). Last evaluated 2025-10-29.

Conditions:
Epilepsy, familial focal, with variable foci 3 (FFEVF3). Identifiers: MedGen C4310708, MONDO:0014925, OMIM 617118.

Allele frequency attached by ClinVar (database versions not stated): gnomAD 0.00010 and 0.00015; TOPMed 0.00016; gnomAD exomes 0.00022 and 0.00033; ExAC 0.00039; ESP Exome Variant Server 0.00040; 1000 Genomes Project 30x 0.00047; 1000 Genomes Project 0.00060.
gnomAD v4.1: 348 of 1,613,476 alleles (0.022%); highest among the groups gnomAD compares: South Asian, 0.19%; 1 homozygote.

Submissions (4):

Labcorp Genetics (formerly Invitae), Labcorp
Classification: Benign for Epilepsy, familial focal, with variable foci 3. Last evaluated: 2025-10-29. Review status: criteria provided, single submitter. Criteria: Invitae Variant Classification Sherloc (09022015). Collection method: clinical testing. Allele origin: germline.

Blueprint Genetics
Classification: Likely benign. Last evaluated: 2024-11-27. Review status: criteria provided, single submitter. Criteria: ACMG Guidelines, 2015. Collection method: clinical testing. Allele origin: germline.

CeGaT Center for Human Genetics Tuebingen
Classification: Benign. Last evaluated: 2022-10-01. Review status: criteria provided, single submitter. Criteria: CeGaT Center For Human Genetics Tuebingen Variant Classification Criteria Version 2. Collection method: clinical testing. Allele origin: germline. Affected: yes. Observed: 1 variant allele.
Comment: NPRL3: BS1, BS2

GeneDx
Classification: Benign. Last evaluated: 2021-08-27. Review status: criteria provided, single submitter. Criteria: GeneDx Variant Classification Process June 2021. Collection method: clinical testing. Allele origin: germline. Affected: yes.